The following is an entry in ClinVar:

NM_006939.4(SOS2):c.2299G>A (p.Gly767Arg)

Gene: SOS2 (SOS Ras/Rho guanine nucleotide exchange factor 2; minus strand). Cytogenetic location: 14q21.3.
Variant type: single nucleotide variant.
Coding change: c.2299G>A on transcript NM_006939.4 (MANE Select); coding-DNA position 2299, G replaced by A.
Protein change: p.Gly767Arg; replaces glycine 767 with arginine.
Molecular consequence: missense variant.
Genome position (GRCh38, 1-based): chr14:50,150,093, C>T on the plus strand (G>A on the coding strand, the complement: SOS2 is on the minus strand). VCF-style: chr14-50150093-C-T. GRCh37 (hg19) VCF-style: chr14-50616811-C-T.
Other names: short protein forms G767R.
Identifiers: ClinVar variation 280813 (VCV000280813.2), dbSNP rs886041953, ClinGen allele CA10603242.

ClinVar aggregate classification (germline): Uncertain significance (1 of 4 stars; one submission).

Submission:

GeneDx
Classification: Uncertain significance. Last evaluated: 2016-09-01. Review status: criteria provided, single submitter. Criteria: GeneDx Variant Classification (06012015). Collection method: clinical testing. Allele origin: germline. Affected: yes.
Comment: The G767R variant in the SOS2 gene has not been reported previously as a pathogenic variant, nor as a benign variant, to our knowledge. This variant was not observed in approximately 6500 individuals of European and African American ancestry in the NHLBI Exome Sequencing Project, indicating it is not a common benign variant in these populations. The G767R variant is a non-conservative amino acid substitution, which is likely to impact secondary protein structure as these residues differ in polarity, charge, size and/or other properties. This substitution occurs at a position that is conserved across species. In silico analysis is inconsistent in its predictions as to whether or not the variant is damaging to the protein structure/function. We interpret G767R as a variant of uncertain significance